The following is an entry in ClinVar:

NM_000353.3(TAT):c.362A>C (p.Glu121Ala)

Gene: TAT (tyrosine aminotransferase; minus strand). Cytogenetic location: 16q22.2.
Variant type: single nucleotide variant.
Coding change: c.362A>C on transcript NM_000353.3 (MANE Select); coding-DNA position 362, A replaced by C.
Protein change: p.Glu121Ala; replaces glutamic acid 121 with alanine.
Molecular consequence: missense variant.
Genome position (GRCh38, 1-based): chr16:71,573,585, T>G on the plus strand (A>C on the coding strand, the complement: TAT is on the minus strand). VCF-style: chr16-71573585-T-G. GRCh37 (hg19) VCF-style: chr16-71607488-T-G.
Other names: short protein forms E121A.
Identifiers: ClinVar variation 1056332 (VCV001056332.6), dbSNP rs765073890, ClinGen allele CA8153999.

ClinVar aggregate classification (germline): Uncertain significance (1 of 4 stars; one submission).

Conditions:
Tyrosinemia type II (TYRSN2). Also called: TAT DEFICIENCY; TYROSINE AMINOTRANSFERASE DEFICIENCY; TYROSINE TRANSAMINASE DEFICIENCY; KERATOSIS PALMOPLANTARIS WITH CORNEAL DYSTROPHY; OREGON TYPE TYROSINEMIA. Identifiers: Orphanet 28378, MedGen C0268487, MONDO:0010160, OMIM 276600.

Allele frequency attached by ClinVar (database versions not stated): gnomAD exomes below 0.00001 and 0.00001; ExAC 0.00005.
gnomAD v4.1: 1 of 1,554,578 alleles (0.000064%); highest among the groups gnomAD compares: South Asian, 0.0012%; no homozygotes.

Submission:

Labcorp Genetics (formerly Invitae), Labcorp
Classification: Uncertain significance for Tyrosinemia type II. Last evaluated: 2021-08-24. Review status: criteria provided, single submitter. Criteria: Invitae Variant Classification Sherloc (09022015). Collection method: clinical testing. Allele origin: germline.
Comment: This sequence change replaces glutamic acid with alanine at codon 121 of the TAT protein (p.Glu121Ala). The glutamic acid residue is weakly conserved and there is a moderate physicochemical difference between glutamic acid and alanine. This variant is present in population databases (rs765073890, ExAC 0.01%). This variant has not been reported in the literature in individuals affected with TAT-related conditions. Algorithms developed to predict the effect of missense changes on protein structure and function (SIFT, PolyPhen-2, Align-GVGD) all suggest that this variant is likely to be tolerated. In summary, the available evidence is currently insufficient to determine the role of this variant in disease. Therefore, it has been classified as a Variant of Uncertain Significance.